The following is an entry in ClinVar:

NM_003923.3(FOXH1):c.292C>T (p.Pro98Ser)

Gene: FOXH1 (forkhead box H1; minus strand). Cytogenetic location: 8q24.3.
Variant type: single nucleotide variant.
Coding change: c.292C>T on transcript NM_003923.3 (MANE Select); coding-DNA position 292, C replaced by T.
Protein change: p.Pro98Ser; replaces proline 98 with serine.
Molecular consequence: missense variant.
Genome position (GRCh38, 1-based): chr8:144,475,044, G>A on the plus strand (C>T on the coding strand, the complement: FOXH1 is on the minus strand). VCF-style: chr8-144475044-G-A. GRCh37 (hg19) VCF-style: chr8-145700427-G-A.
Other names: short protein forms P98S.
Identifiers: ClinVar variation 3716851 (VCV003716851.2).

ClinVar aggregate classification (germline): Uncertain significance (1 of 4 stars; one submission).

Conditions:
Holoprosencephaly sequence (HPE). Also called: Holoprosencephaly. Identifiers: Orphanet 2162, MedGen C0079541, MONDO:0016296, HP:0001360.

Submission:

Labcorp Genetics (formerly Invitae), Labcorp
Classification: Uncertain significance for Holoprosencephaly sequence. Last evaluated: 2025-10-01. Review status: criteria provided, single submitter. Criteria: Invitae Variant Classification Sherloc (09022015). Collection method: clinical testing. Allele origin: germline.
Comment: This sequence change replaces proline, which is neutral and non-polar, with serine, which is neutral and polar, at codon 98 of the FOXH1 protein (p.Pro98Ser). The frequency data for this variant in the population databases is considered unreliable, as metrics indicate poor data quality at this position in the gnomAD database. This variant has not been reported in the literature in individuals affected with FOXH1-related conditions. ClinVar contains an entry for this variant (Variation ID: 3716851). Invitae Evidence Modeling of protein sequence and biophysical properties (such as structural, functional, and spatial information, amino acid conservation, physicochemical variation, residue mobility, and thermodynamic stability) has been performed for this missense variant. However, the output from this modeling did not meet the statistical confidence thresholds required to predict the impact of this variant on FOXH1 protein function. In summary, the available evidence is currently insufficient to determine the role of this variant in disease. Therefore, it has been classified as a Variant of Uncertain Significance.